The following is an entry in ClinVar:

ClinVar aggregate classification (germline): Conflicting classifications of pathogenicity. Review status: criteria provided, conflicting classifications (1 of 4 stars). 3 submissions from 3 submitters: Uncertain significance (2); Benign (1). Last evaluated 2026-09-04.

Conditions:
Kabuki syndrome. Also called: Kabuki make-up syndrome; NIIKAWA-KUROKI SYNDROME. Identifiers: Orphanet 2322, MedGen C0796004, MONDO:0016512.
KMT2D-related disorder. Also called: KMT2D-Related Disorders.

gnomAD v4.1: 10 of 1,576,942 alleles (0.00063%); highest among the groups gnomAD compares: African/African-American, 0.0014%; no homozygotes.

Submissions (3):

PreventionGenetics, part of Exact Sciences
Classification: Uncertain significance for KMT2D-related condition. Last evaluated: 2026-09-04. Review status: criteria provided, single submitter. Criteria: ACMG Guidelines, 2015. Collection method: clinical testing. Allele origin: germline.
Comment: The KMT2D c.10876C>T variant is predicted to result in the amino acid substitution p.Arg3626Trp. To our knowledge, this variant has not been reported in individuals with KMT2D associated disorders in the literature. This variant is reported in 0.0048% of alleles in individuals of African descent in gnomAD. At this time, the clinical significance of this variant is uncertain due to the absence of conclusive functional and genetic evidence.

Blueprint Genetics
Classification: Uncertain significance. Last evaluated: 2024-09-30. Review status: criteria provided, single submitter. Criteria: ACMG Guidelines, 2015. Collection method: clinical testing. Allele origin: germline.

Labcorp Genetics (formerly Invitae), Labcorp
Classification: Benign for Kabuki syndrome. Last evaluated: 2024-05-27. Review status: criteria provided, single submitter. Criteria: Invitae Variant Classification Sherloc (09022015). Collection method: clinical testing. Allele origin: germline.

NM_003482.4(KMT2D):c.10876C>T (p.Arg3626Trp)

Gene: KMT2D (lysine methyltransferase 2D; minus strand). Cytogenetic location: 12q13.12.
Variant type: single nucleotide variant.
Coding change: c.10876C>T on transcript NM_003482.4 (MANE Select); coding-DNA position 10876, C replaced by T.
Protein change: p.Arg3626Trp; replaces arginine 3626 with tryptophan.
Molecular consequence: missense variant.
Genome position (GRCh38, 1-based): chr12:49,033,829, G>A on the plus strand (C>T on the coding strand, the complement: KMT2D is on the minus strand). VCF-style: chr12-49033829-G-A. GRCh37 (hg19) VCF-style: chr12-49427612-G-A.
Other names: short protein forms R3626W.
Identifiers: ClinVar variation 3711304 (VCV003711304.4).